The following is an entry in ClinVar:

ClinVar aggregate classification (germline): Pathogenic/Likely pathogenic. Review status: criteria provided, multiple submitters, no conflicts (2 of 4 stars). 3 submissions from 3 submitters: Pathogenic (2); Likely pathogenic (1). Last evaluated 2026-09-08.

Conditions:
Fabry disease. Also called: Angiokeratoma corporis diffusum; Fabry's disease; ALPHA-GALACTOSIDASE A DEFICIENCY; ANDERSON-FABRY DISEASE; CERAMIDE TRIHEXOSIDASE DEFICIENCY; Ceramide trihexosidosis. Identifiers: Orphanet 324, MedGen C0002986, MONDO:0010526, OMIM 301500, HP:0001071. Disease mechanism: Fabry disease is due to inactivating mutations in the X-linked GLA gene resulting in deficiency of the enzyme Alpha Galactosidase-A., loss of function.

Submissions (3):

Genomenon, Inc
Classification: Likely pathogenic for Fabry disease. Last evaluated: 2026-09-08. Review status: criteria provided, single submitter. Criteria: Genomenon Sequence Variant Interpretation Standards - Updated. Collection method: curation. Allele origin: germline. Affected: yes.
Comment: GLA p.Ile270Thr (c.809T>C) is a missense variant that changes the amino acid at codon 270 from Isoleucine to Threonine. This variant has been observed in at least one proband with clinical features consistent with Fabry disease (PMID:16148726;36619006;30477121;15713906;22878505;36165155;30723321;27657681). Functional or patient cell studies have been reported (PMID:32843101;30723321;22878505;27657681;15713906;36619006). The presence of pathogenic/likely pathogenic missense variant(s) at the same amino acid position indicates that this residue is likely important for protein function. It is absent or not present at a significant frequency in gnomAD. In silico models predict that this variant is possibly or probably damaging. In conclusion, we classify GLA p.Ile270Thr (c.809T>C) as a likely pathogenic variant.

Labcorp Genetics (formerly Invitae), Labcorp
Classification: Pathogenic for Fabry disease. Last evaluated: 2023-10-22. Review status: criteria provided, single submitter. Criteria: Invitae Variant Classification Sherloc (09022015). Collection method: clinical testing. Allele origin: germline.
Comment: This sequence change replaces isoleucine, which is neutral and non-polar, with threonine, which is neutral and polar, at codon 270 of the GLA protein (p.Ile270Thr). This variant is not present in population databases (gnomAD no frequency). This missense change has been observed in individual(s) with Fabry disease (PMID: 15713906, 22498845, 30477121; Invitae). Advanced modeling of protein sequence and biophysical properties (such as structural, functional, and spatial information, amino acid conservation, physicochemical variation, residue mobility, and thermodynamic stability) performed at Invitae indicates that this missense variant is not expected to disrupt GLA protein function with a negative predictive value of 80%. In summary, the currently available evidence indicates that the variant is pathogenic, but additional data are needed to prove that conclusively. Therefore, this variant has been classified as Likely Pathogenic.

Serv. Biochemistry and Molecular genetics, Hospital Clinic de Barcelona, Hospital Clínic de Barcelona
Classification: Pathogenic for Fabry disease. Review status: criteria provided, single submitter. Criteria: ACMG Guidelines, 2015. Collection method: clinical testing. Allele origin: germline. Inheritance: X-linked inheritance. Affected: yes.
Comment: Classification reported in the manuscript using ACMG criteria/in silico tools: Pathogenic. Variant type: Missense; amino acid change: p.Ile270Thr. Criteria: PM1, PM2, PM5, PP2, PP3, PS4,

Literature cited by the submitters: PubMed 16148726 (cited by Genomenon, Inc); PubMed 36619006 (cited by Genomenon, Inc); PubMed 30477121 (cited by 3 submitters); PubMed 15713906 (cited by 3 submitters); PubMed 22878505 (cited by Genomenon, Inc); PubMed 36165155 (cited by Genomenon, Inc); PubMed 30723321 (cited by Genomenon, Inc); PubMed 27657681 (cited by Genomenon, Inc); PubMed 32843101 (cited by Genomenon, Inc); PubMed 22498845 (cited by Labcorp Genetics (formerly Invitae), Labcorp and Serv. Biochemistry and Molecular genetics, Hospital Clinic de Barcelona, Hospital Clínic de Barcelona).

NM_000169.3(GLA):c.809T>C (p.Ile270Thr)

Genes: GLA (galactosidase alpha; minus strand), RPL36A-HNRNPH2 (RPL36A-HNRNPH2 readthrough; plus strand). Cytogenetic location: Xq22.1.
Variant type: single nucleotide variant.
Coding change: c.809T>C on transcript NM_000169.3 (MANE Select); coding-DNA position 809, T replaced by C.
Protein change: p.Ile270Thr; replaces isoleucine 270 with threonine.
Molecular consequence: missense variant. On other transcripts: non-coding transcript variant (3), intron variant (2).
Genome position (GRCh38, 1-based): chrX:101,398,560, A>G on the plus strand (T>C on the coding strand, the complement: GLA is on the minus strand). VCF-style: chrX-101398560-A-G. GRCh37 (hg19) VCF-style: chrX-100653548-A-G.
Other names: c.932T>C, p.Ile311Thr (NM_001406747.1); c.809T>C, p.Ile270Thr (NM_001406748.1); c.300+3103A>G (NM_001199973.2); c.177+6738A>G (NM_001199974.2); short protein forms I270T, I311T.
Identifiers: ClinVar variation 2737315 (VCV002737315.6), dbSNP rs2520865089, ClinGen allele CA413923442.